The following is an entry in ClinVar:

NM_007317.3(KIF22):c.647G>A (p.Ser216Asn)

Gene: KIF22 (kinesin family member 22; plus strand). Cytogenetic location: 16p11.2.
Variant type: single nucleotide variant.
Coding change: c.647G>A on transcript NM_007317.3 (MANE Select); coding-DNA position 647, G replaced by A.
Protein change: p.Ser216Asn; replaces serine 216 with asparagine.
Molecular consequence: missense variant.
Genome position (GRCh38, 1-based): chr16:29,799,072, G>A. VCF-style: chr16-29799072-G-A. GRCh37 (hg19) VCF-style: chr16-29810393-G-A.
Other names: c.443G>A, p.Ser148Asn (NM_001256269.2, NM_001256270.1); short protein forms S148N, S216N.
Identifiers: ClinVar variation 4748367 (VCV004748367.1).

ClinVar aggregate classification (germline): Uncertain significance (1 of 4 stars; one submission).

Submission:

Labcorp Genetics (formerly Invitae), Labcorp
Classification: Uncertain significance. Last evaluated: 2025-03-19. Review status: criteria provided, single submitter. Criteria: Invitae Variant Classification Sherloc (09022015). Collection method: clinical testing. Allele origin: germline.
Comment: This sequence change replaces serine, which is neutral and polar, with asparagine, which is neutral and polar, at codon 216 of the KIF22 protein (p.Ser216Asn). This variant is not present in population databases (gnomAD no frequency). This variant has not been reported in the literature in individuals affected with KIF22-related conditions. Invitae Evidence Modeling of protein sequence and biophysical properties (such as structural, functional, and spatial information, amino acid conservation, physicochemical variation, residue mobility, and thermodynamic stability) indicates that this missense variant is not expected to disrupt KIF22 protein function with a negative predictive value of 80%. In summary, the available evidence is currently insufficient to determine the role of this variant in disease. Therefore, it has been classified as a Variant of Uncertain Significance.